The following is an entry in ClinVar:

ClinVar aggregate classification (germline): Likely pathogenic (1 of 4 stars; one submission).

Submission:

CeGaT Center for Human Genetics Tuebingen
Classification: Likely pathogenic. Last evaluated: 2025-11-01. Review status: criteria provided, single submitter. Criteria: CeGaT Center For Human Genetics Tuebingen Variant Classification Criteria Version 2. Collection method: clinical testing. Allele origin: germline. Affected: yes. Observed: 1 variant allele.
Comment: SMARCA4: PM2, PM1:Supporting, PM6:Supporting, PP2, PP3

NM_003072.5(SMARCA4):c.3668A>G (p.Asn1223Ser)

Gene: SMARCA4 (SWI/SNF related BAF chromatin remodeling complex subunit ATPase 4; plus strand). Cytogenetic location: 19p13.2.
Variant type: single nucleotide variant.
Coding change: c.3668A>G on transcript NM_003072.5 (MANE Select); coding-DNA position 3668, A replaced by G.
Protein change: p.Asn1223Ser; replaces asparagine 1223 with serine.
Molecular consequence: missense variant. On other transcripts: non-coding transcript variant (1).
Genome position (GRCh38, 1-based): chr19:11,033,411, A>G. VCF-style: chr19-11033411-A-G. GRCh37 (hg19) VCF-style: chr19-11144087-A-G.
Other names: c.3668A>G, p.Asn1223Ser (NM_001128844.3, NM_001128845.2, NM_001128846.2 and 5 more transcripts); short protein forms N1223S.
Identifiers: ClinVar variation 1176372 (VCV001176372.35), dbSNP rs2146652117, ClinGen allele CA404065709.